The following is an entry in ClinVar:

ClinVar aggregate classification (germline): Uncertain significance (1 of 4 stars; one submission).

Conditions:
Amyotrophic lateral sclerosis type 1 (ALS1). Also called: AMYOTROPHIC LATERAL SCLEROSIS 1, FAMILIAL. Identifiers: Orphanet 803, MedGen C1862939, MONDO:0007103, OMIM 105400.
Neuronopathy, distal hereditary motor, type 7B. Also called: HMN VIIB; LOWER MOTOR NEURON DISEASE, DYNACTIN TYPE; NEURONOPATHY, DISTAL HEREDITARY MOTOR, AUTOSOMAL DOMINANT 14; NEURONOPATHY, DISTAL HEREDITARY MOTOR, HARDING TYPE VIIB; NEUROPATHY, DISTAL HEREDITARY MOTOR, HARDING TYPE VIIB; NEUROPATHY, DISTAL HEREDITARY MOTOR, WITH VOCAL CORD PARALYSIS, HARDING TYPE VIIB. Identifiers: Orphanet 139589, MedGen C1843315, MONDO:0011879, OMIM 607641.
Perry syndrome. Also called: PARKINSONISM WITH ALVEOLAR HYPOVENTILATION AND MENTAL DEPRESSION. Identifiers: Orphanet 178509, MedGen C1868594, MONDO:0008201, OMIM 168605.

Submission:

Labcorp Genetics (formerly Invitae), Labcorp
Classification: Uncertain significance for Amyotrophic lateral sclerosis type 1; Neuronopathy, distal hereditary motor, type 7B; Perry syndrome. Last evaluated: 2024-10-16. Review status: criteria provided, single submitter. Criteria: Invitae Variant Classification Sherloc (09022015). Collection method: clinical testing. Allele origin: germline.
Comment: This sequence change falls in intron 12 of the DCTN1 gene. It does not directly change the encoded amino acid sequence of the DCTN1 protein. It affects a nucleotide within the consensus splice site. This variant is not present in population databases (gnomAD no frequency). This variant has not been reported in the literature in individuals affected with DCTN1-related conditions. Variants that disrupt the consensus splice site are a relatively common cause of aberrant splicing (PMID: 17576681, 9536098). Algorithms developed to predict the effect of sequence changes on RNA splicing suggest that this variant is not likely to affect RNA splicing. In summary, the available evidence is currently insufficient to determine the role of this variant in disease. Therefore, it has been classified as a Variant of Uncertain Significance.

Literature cited by the submitters: PubMed 17576681; PubMed 9536098.

NM_004082.5(DCTN1):c.1287+4T>A

Gene: DCTN1 (dynactin subunit 1; minus strand). Cytogenetic location: 2p13.1.
Variant type: single nucleotide variant.
Coding change: c.1287+4T>A on transcript NM_004082.5 (MANE Select); 4 bases into the intron after coding-DNA position 1287, T replaced by A.
Molecular consequence: intron variant.
Genome position (GRCh38, 1-based): chr2:74,370,182, A>T on the plus strand (T>A on the coding strand, the complement: DCTN1 is on the minus strand). VCF-style: chr2-74370182-A-T. GRCh37 (hg19) VCF-style: chr2-74597309-A-T.
Other names: c.1176+4T>A (NM_001190836.2); c.1218+4T>A (NM_001378992.1); c.1236+4T>A (NM_001378991.1); c.1227+4T>A (NM_001135040.3); c.1266+4T>A (NM_001190837.2); c.885+4T>A (NM_001135041.3, NM_023019.4).
Identifiers: ClinVar variation 3759496 (VCV003759496.2).